The following is an entry in ClinVar:

ClinVar aggregate classification (germline): Likely pathogenic (1 of 4 stars; one submission).

Submission:

Labcorp Genetics (formerly Invitae), Labcorp
Classification: Likely pathogenic. Last evaluated: 2020-11-19. Review status: criteria provided, single submitter. Criteria: Invitae Variant Classification Sherloc (09022015). Collection method: clinical testing. Allele origin: germline.
Comment: In summary, the currently available evidence indicates that the variant is pathogenic, but additional data are needed to prove that conclusively. Therefore, this variant has been classified as Likely Pathogenic. Donor and acceptor splice site variants typically lead to a loss of protein function (PMID: 16199547), and loss-of-function variants in SEPSECS are known to be pathogenic (PMID: 25558065, 25590979, 26115735). Algorithms developed to predict the effect of sequence changes on RNA splicing suggest that this variant may disrupt the consensus splice site, but this prediction has not been confirmed by published transcriptional studies. This variant has not been reported in the literature in individuals with SEPSECS-related conditions. This variant is not present in population databases (ExAC no frequency). This sequence change affects an acceptor splice site in intron 1 of the SEPSECS gene. It is expected to disrupt RNA splicing and likely results in an absent or disrupted protein product.

Literature cited by the submitters: PubMed 16199547; PubMed 25558065; PubMed 25590979; PubMed 26115735.

NM_016955.4(SEPSECS):c.115-1G>C

Gene: SEPSECS (Sep (O-phosphoserine) tRNA:Sec (selenocysteine) tRNA synthase; minus strand). Cytogenetic location: 4p15.2.
Variant type: single nucleotide variant.
Coding change: c.115-1G>C on transcript NM_016955.4 (MANE Select); the canonical splice acceptor site of the intron before coding-DNA position 115, G replaced by C.
Molecular consequence: splice acceptor variant.
Genome position (GRCh38, 1-based): chr4:25,159,108, C>G on the plus strand (G>C on the coding strand, the complement: SEPSECS is on the minus strand). VCF-style: chr4-25159108-C-G. GRCh37 (hg19) VCF-style: chr4-25160730-C-G.
Other names: c.370-1G>C (NM_001410714.1).
Identifiers: ClinVar variation 1066602 (VCV001066602.8), dbSNP rs1204867394, ClinGen allele CA356543578.